The following is an entry in ClinVar:

NM_177438.3(DICER1):c.4618G>C (p.Gly1540Arg)

Gene: DICER1 (dicer 1, ribonuclease III; minus strand). Cytogenetic location: 14q32.13.
Variant type: single nucleotide variant.
Coding change: c.4618G>C on transcript NM_177438.3 (MANE Select); coding-DNA position 4618, G replaced by C.
Protein change: p.Gly1540Arg; replaces glycine 1540 with arginine.
Molecular consequence: missense variant. On other transcripts: non-coding transcript variant (6).
Genome position (GRCh38, 1-based): chr14:95,096,302, C>G on the plus strand (G>C on the coding strand, the complement: DICER1 is on the minus strand). VCF-style: chr14-95096302-C-G. GRCh37 (hg19) VCF-style: chr14-95562639-C-G.
Other names: c.4618G>C, p.Gly1540Arg (NM_001291628.2, NM_001395677.1, NM_001395678.1 and 13 more transcripts); c.4336G>C, p.Gly1446Arg (NM_001395686.1); c.4213G>C, p.Gly1405Arg (NM_001395687.1, NM_001395688.1, NM_001395689.1 and 2 more transcripts); c.4051G>C, p.Gly1351Arg (NM_001395691.1); c.2935G>C, p.Gly979Arg (NM_001395697.1); short protein forms G1351R, G1405R, G1446R, G1540R, G979R.
Identifiers: ClinVar variation 3229415 (VCV003229415.1), dbSNP rs2139847173, ClinGen allele CA390867682.

ClinVar aggregate classification (germline): Uncertain significance (1 of 4 stars; one submission).

Conditions:
Hereditary cancer-predisposing syndrome. Also called: Neoplastic Syndromes, Hereditary; Tumor predisposition; Hereditary neoplastic syndrome; Hereditary Cancer Syndrome. Identifiers: Orphanet 140162, MedGen C0027672, MeSH D009386, MONDO:0015356.

Submission:

Ambry Genetics
Classification: Uncertain significance for Hereditary cancer-predisposing syndrome. Last evaluated: 2022-12-17. Review status: criteria provided, single submitter. Criteria: Ambry Variant Classification Scheme 2023. Collection method: clinical testing. Allele origin: germline.
Comment: The p.G1540R variant (also known as c.4618G>C), located in coding exon 22 of the DICER1 gene, results from a G to C substitution at nucleotide position 4618. The glycine at codon 1540 is replaced by arginine, an amino acid with dissimilar properties. This amino acid position is conserved. In addition, this alteration is predicted to be deleterious by in silico analysis. Since supporting evidence is limited at this time, the clinical significance of this alteration remains unclear.